The following is an entry in ClinVar:

NM_000046.5(ARSB):c.313-286del

Gene: ARSB (arylsulfatase B; minus strand). Cytogenetic location: 5q14.1.
Variant type: Deletion.
Coding change: c.313-286del on transcript NM_000046.5 (MANE Select); 286 bases into the intron before coding-DNA position 313, one base deleted (T; older notation c.313-286delT).
Molecular consequence: intron variant.
Genome position (GRCh38, 1-based): chr5:78,969,478, A deleted on the plus strand (T on the coding strand, the reverse complement: ARSB is on the minus strand); the first of 7 consecutive A bases (chr5:78,969,478-78,969,484); deleting any one gives the same sequence. VCF-style (leftmost placement, unchanged base first): chr5-78969477-CA-C. GRCh37 (hg19) VCF-style: chr5-78265300-CA-C.
Other names: c.313-286del (NM_198709.3).
Identifiers: ClinVar variation 680556 (VCV000680556.1), dbSNP rs34055862, ClinGen allele CA121108369.

ClinVar aggregate classification (germline): Benign (1 of 4 stars; one submission).

Submission:

GeneDx
Classification: Benign. Last evaluated: 2018-06-19. Review status: criteria provided, single submitter. Criteria: GeneDx Variant Classification (06012015). Collection method: clinical testing. Allele origin: germline. Affected: yes.
Comment: This variant is considered likely benign or benign based on one or more of the following criteria: it is a conservative change, it occurs at a poorly conserved position in the protein, it is predicted to be benign by multiple in silico algorithms, and/or has population frequency not consistent with disease.